The following is an entry in ClinVar:

NM_016608.2(ARMCX1):c.102C>T (p.Asn34=)

Gene: ARMCX1 (armadillo repeat containing X-linked 1; plus strand). Cytogenetic location: Xq22.1.
Variant type: single nucleotide variant.
Coding change: c.102C>T on transcript NM_016608.2 (MANE Select); coding-DNA position 102, C replaced by T.
Protein change: p.Asn34=; no amino-acid change (asparagine 34 retained).
Molecular consequence: synonymous variant.
Genome position (GRCh38, 1-based): chrX:101,553,032, C>T. VCF-style: chrX-101553032-C-T. GRCh37 (hg19) VCF-style: chrX-100808015-C-T.
Identifiers: ClinVar variation 2661064 (VCV002661064.24), dbSNP rs140507248, ClinGen allele CA10473822.
Genomic context (GRCh38, chrX:101,553,032, plus strand): 5'-GGTTATCGGGGCTGGTGCCTGCTACTGTGTATACAGACTGGCTTGGGGAAGAGACGAGAA[C>T]GAGAAAATCTGGGACGAAGACGAGGAGTCTACGGACACCTCAGAGATTGGGGTTGAGACT-3'
Protein context (NP_057692.1, residues 24-44): VYRLAWGRDE[Asn34=]EKIWDEDEES

ClinVar aggregate classification (germline): Likely benign (1 of 4 stars; one submission).

Allele frequency attached by ClinVar (database versions not stated): TOPMed 0.00006; 1000 Genomes Project 30x 0.00042; 1000 Genomes Project 0.00053; ESP Exome Variant Server 0.00009; gnomAD 0.00012; ExAC 0.00040.
gnomAD v4.1: 278 of 1,209,719 alleles (0.023%); highest among the groups gnomAD compares: South Asian, 0.29%; no homozygotes.

Submission:

CeGaT Center for Human Genetics Tuebingen
Classification: Likely benign. Last evaluated: 2023-03-01. Review status: criteria provided, single submitter. Criteria: CeGaT Center For Human Genetics Tuebingen Variant Classification Criteria Version 2. Collection method: clinical testing. Allele origin: germline. Affected: yes. Observed: 2 variant alleles.
Comment: ARMCX1: BP4, BP7, BS2